The following is an entry in ClinVar:

ClinVar aggregate classification (germline): Pathogenic (1 of 4 stars; one submission).

Submission:

GeneDx
Classification: Pathogenic. Last evaluated: 2025-03-14. Review status: criteria provided, single submitter. Criteria: GeneDx Variant Classification Process June 2021. Collection method: clinical testing. Allele origin: germline. Affected: yes.
Comment: Occurs in the triple helical domain and replaces a glycine in a canonical Gly-X-Y repeat; missense substitution of a canonical glycine residue is expected to disrupt normal protein folding and function, and this is an established mechanism of disease (PMID: 34007986); Not observed at significant frequency in large population cohorts (gnomAD); In silico analysis supports that this missense variant has a deleterious effect on protein structure/function; Has not been previously published as pathogenic or benign to our knowledge; This variant is associated with the following publications: (PMID: 34007986)

NM_000088.4(COL1A1):c.1607G>A (p.Gly536Asp)

Gene: COL1A1 (collagen type I alpha 1 chain; minus strand). Cytogenetic location: 17q21.33.
Variant type: single nucleotide variant.
Coding change: c.1607G>A on transcript NM_000088.4 (MANE Select); coding-DNA position 1607, G replaced by A.
Protein change: p.Gly536Asp; replaces glycine 536 with aspartic acid.
Molecular consequence: missense variant.
Genome position (GRCh38, 1-based): chr17:50,194,356, C>T on the plus strand (G>A on the coding strand, the complement: COL1A1 is on the minus strand). VCF-style: chr17-50194356-C-T. GRCh37 (hg19) VCF-style: chr17-48271717-C-T.
Other names: short protein forms G536D.
Identifiers: ClinVar variation 4083474 (VCV004083474.1).